The following is an entry in ClinVar:

NM_207034.3(EDN3):c.342C>T (p.Asp114=)

Gene: EDN3 (endothelin 3; plus strand). Cytogenetic location: 20q13.32.
Variant type: single nucleotide variant.
Coding change: c.342C>T on transcript NM_207034.3 (MANE Select); coding-DNA position 342, C replaced by T.
Protein change: p.Asp114=; no amino-acid change (aspartic acid 114 retained).
Molecular consequence: synonymous variant.
Genome position (GRCh38, 1-based): chr20:59,301,699, C>T. VCF-style: chr20-59301699-C-T. GRCh37 (hg19) VCF-style: chr20-57876754-C-T.
Other names: c.342C>T, p.Asp114= (NM_001302455.2, NM_001302456.2, NM_207032.3 and 1 more transcripts).
Identifiers: ClinVar variation 666686 (VCV000666686.4), dbSNP rs1272021123, ClinGen allele CA511341894.

ClinVar aggregate classification (germline): Likely benign (1 of 4 stars; one submission).

Allele frequency attached by ClinVar (database versions not stated): gnomAD exomes below 0.00001; TOPMed below 0.00001.
gnomAD v4.1: 1 of 1,614,180 alleles (0.000062%); highest among the groups gnomAD compares: Non-Finnish European, 0.000085%; no homozygotes.

Submission:

Laboratory for Molecular Medicine, Mass General Brigham Personalized Medicine
Classification: Likely benign. Last evaluated: 2018-05-08. Review status: criteria provided, single submitter. Criteria: LMM Criteria. Collection method: clinical testing. Allele origin: germline. Observed: 1 variant allele.
Comment: p.Asp114Asp in exon 2 of EDN3: This variant is classified as likely benign becau se it does not alter an amino acid residue, it is not located within the splice consensus sequence, and splice prediction algorithms do not predict a newly crea ted splice site. ACMG/AMP criteria: BP4, BP7.